The following is an entry in ClinVar:

NM_130466.4(UBE3B):c.350A>G (p.Tyr117Cys)

Gene: UBE3B (ubiquitin protein ligase E3B; plus strand). Cytogenetic location: 12q24.11.
Variant type: single nucleotide variant.
Coding change: c.350A>G on transcript NM_130466.4 (MANE Select); coding-DNA position 350, A replaced by G.
Protein change: p.Tyr117Cys; replaces tyrosine 117 with cysteine.
Molecular consequence: missense variant.
Genome position (GRCh38, 1-based): chr12:109,486,478, A>G. VCF-style: chr12-109486478-A-G. GRCh37 (hg19) VCF-style: chr12-109924283-A-G.
Other names: c.350A>G, p.Tyr117Cys (NM_001270449.2, NM_001270450.2, NM_001270451.2 and 1 more transcripts); short protein forms Y117C.
Identifiers: ClinVar variation 3715092 (VCV003715092.2).
Genomic context (GRCh38, chr12:109,486,478, plus strand): 5'-AGTGATATGATCTCTATAACAGCCCATGACATTCCTCTTTTTCCCACCTATAGGTGTGGT[A>G]TGTGTCCCTGGCTTGTTCTAAGGACCTCACCCTCCTTTGGATTCAACAGATCAAGAACAT-3'
Protein context (NP_569733.2, residues 107-127): MDAENEPKVW[Tyr117Cys]VSLACSKDLT

ClinVar aggregate classification (germline): Uncertain significance (1 of 4 stars; one submission).

gnomAD v4.1: 2 of 1,526,634 alleles (0.00013%); highest among the groups gnomAD compares: Non-Finnish European, 0.00018%; no homozygotes.

Submission:

Labcorp Genetics (formerly Invitae), Labcorp
Classification: Uncertain significance. Last evaluated: 2025-01-13. Review status: criteria provided, single submitter. Criteria: Invitae Variant Classification Sherloc (09022015). Collection method: clinical testing. Allele origin: germline.
Comment: This sequence change replaces tyrosine, which is neutral and polar, with cysteine, which is neutral and slightly polar, at codon 117 of the UBE3B protein (p.Tyr117Cys). This variant is present in population databases (rs779906381, gnomAD 0.002%). This variant has not been reported in the literature in individuals affected with UBE3B-related conditions. Invitae Evidence Modeling of protein sequence and biophysical properties (such as structural, functional, and spatial information, amino acid conservation, physicochemical variation, residue mobility, and thermodynamic stability) indicates that this missense variant is not expected to disrupt UBE3B protein function with a negative predictive value of 80%. In summary, the available evidence is currently insufficient to determine the role of this variant in disease. Therefore, it has been classified as a Variant of Uncertain Significance.